The following is an entry in ClinVar:

ClinVar aggregate classification (germline): Likely pathogenic (1 of 4 stars; one submission).

Submission:

Dasa
Classification: Likely pathogenic. Last evaluated: 2025-10-06. Review status: criteria provided, single submitter. Criteria: DASA Assertion Criteria. Collection method: clinical testing. Allele origin: germline.
Comment: NM_003995.4(NPR2):c.1982_1983del (p.Thr661Argfs*12) is a frameshift variant in NPR2 predicted to alter the reading frame and introduce a premature termination codon and is predicted to result in an absent or altered protein product. Loss of function is an established disease mechanism for NPR2-associated disorders. Also, this variant is absent from population databases. Based on the currently available evidence, this variant is classified as likely pathogenic.

NM_003995.4(NPR2):c.1982_1983del (p.Thr661fs)

Gene: NPR2 (natriuretic peptide receptor 2; plus strand). Cytogenetic location: 9p13.3.
Variant type: Microsatellite.
Coding change: c.1982_1983del on transcript NM_003995.4 (MANE Select); coding-DNA positions 1982 to 1983, 2 bases deleted (CA; older notation c.1982_1983delCA).
Protein change: p.Thr661fs; shifts the reading frame from threonine 661.
Molecular consequence: frameshift variant.
Genome position (GRCh38, 1-based): chr9:35,805,605-35,805,606, CA deleted; deleting any 2 consecutive bases within chr9:35,805,603-35,805,606 gives the same sequence; the c. name uses the placement nearest the transcript's 3' end. VCF-style (leftmost placement, unchanged base first): chr9-35805602-TCA-T. GRCh37 (hg19) VCF-style: chr9-35805599-TCA-T.
Other names: c.1991_1992del, p.Thr664fs (NM_001378923.1); short protein forms T661fs, T664fs.
Identifiers: ClinVar variation 4886534 (VCV004886534.2).